The following is an entry in ClinVar:

NM_020717.5(SHROOM4):c.3393GGA[6] (p.Glu1151del)

Gene: SHROOM4 (shroom family member 4; minus strand). Cytogenetic location: Xp11.22.
Variant type: Microsatellite.
Coding change: c.3393GGA[6] on transcript NM_020717.5 (MANE Select); six copies in a row of the 3-base unit GGA starting at c.3393; the reference has seven copies in a row; one copy, 3 bases deleted.
Protein change: p.Glu1151del; deletes glutamic acid 1151.
Molecular consequence: inframe deletion. On other transcripts: non-coding transcript variant (4).
Genome position (GRCh38, 1-based): chrX:50,607,729-50,607,731, TCC deleted on the plus strand (GGA on the coding strand, the reverse complement: SHROOM4 is on the minus strand); deleting any 3 consecutive bases within chrX:50,607,729-50,607,750 gives the same sequence; the position shown is the placement nearest the transcript's 3' end. VCF-style (leftmost placement, unchanged base first): chrX-50607728-TTCC-T. GRCh37 (hg19) VCF-style: chrX-50350728-TTCC-T.
Other names: c.3411_3413delGGA (NM_020717.3); short protein forms E1151del.
Identifiers: ClinVar variation 590248 (VCV000590248.21), dbSNP rs143151534, ClinGen allele CA10415973.

ClinVar aggregate classification (germline): Benign/Likely benign. Review status: criteria provided, multiple submitters, no conflicts (2 of 4 stars). 3 submissions from 3 submitters: Benign (1); Likely benign (1). 1 of the submissions does not count toward it. Last evaluated 2025-01-01.

Conditions:
SHROOM4-related disorder. Also called: SHROOM4-related condition.

Submissions (3):

CeGaT Center for Human Genetics Tuebingen
Classification: Likely benign. Last evaluated: 2025-01-01. Review status: criteria provided, single submitter. Criteria: CeGaT Center For Human Genetics Tuebingen Variant Classification Criteria Version 2. Collection method: clinical testing. Allele origin: germline. Affected: yes. Observed: 1 variant allele.
Comment: SHROOM4: BS2

Ambry Genetics
Classification: Benign. Last evaluated: 2015-11-10. Review status: criteria provided, single submitter. Criteria: Ambry Variant Classification Scheme 2023. Collection method: clinical testing. Allele origin: germline.

PreventionGenetics, part of Exact Sciences
Classification: Likely benign for SHROOM4-related condition. Last evaluated: 2019-03-01. Review status: no assertion criteria provided. Collection method: clinical testing. Allele origin: germline. Not counted in ClinVar's aggregate classification.
Comment: This variant is classified as likely benign based on ACMG/AMP sequence variant interpretation guidelines (Richards et al. 2015 PMID: 25741868, with internal and published modifications).